The following is an entry in ClinVar:

ClinVar aggregate classification (germline): Uncertain significance. Review status: criteria provided, multiple submitters, no conflicts (2 of 4 stars). 5 submissions from 5 submitters: Uncertain significance (5). Last evaluated 2025-07-11.

Conditions:
Inborn genetic diseases. Identifiers: MedGen C0950123, MeSH D030342.
Autosomal recessive limb-girdle muscular dystrophy type 2P. Also called: MUSCULAR DYSTROPHY-DYSTROGLYCANOPATHY, LIMB-GIRDLE, DAG1-RELATED; Limb-Girdle Muscular Dystrophy Type 9C; MUSCULAR DYSTROPHY, LIMB-GIRDLE, TYPE 2P. Identifiers: Orphanet 280333, MedGen C4511963, MONDO:0013440, OMIM 613818.
Muscular dystrophy-dystroglycanopathy (congenital with brain and eye anomalies), type A9. Also called: WALKER-WARBURG SYNDROME OR MUSCLE-EYE BRAIN DISEASE, DAG1-RELATED; Muscular dystrophy-dystroglycanopathy (congenital with brain and eye anomalies), type a, 9. Identifiers: Orphanet 370997, Orphanet 899, MedGen C4225291, MONDO:0014683, OMIM 616538.

Allele frequency attached by ClinVar (database versions not stated): ExAC 0.00001; ESP Exome Variant Server 0.00008; TOPMed 0.00009; gnomAD exomes 0.00017 and 0.00005; gnomAD 0.00003.
gnomAD v4.1: 251 of 1,614,066 alleles (0.016%); highest among the groups gnomAD compares: Non-Finnish European, 0.02%; 2 homozygotes.

Submissions (5):

GeneDx
Classification: Uncertain significance. Last evaluated: 2025-07-11. Review status: criteria provided, single submitter. Criteria: GeneDx Variant Classification Process June 2021. Collection method: clinical testing. Allele origin: germline.
Comment: Not observed at significant frequency in large population cohorts (gnomAD); In silico analysis suggests that this missense variant does not alter protein structure/function; Has not been previously published as pathogenic or benign to our knowledge; This variant is associated with the following publications: (PMID: 30564623, 21388311)

Ambry Genetics
Classification: Uncertain significance for Inborn genetic diseases. Last evaluated: 2024-08-14. Review status: criteria provided, single submitter. Criteria: Ambry Variant Classification Scheme 2023. Collection method: clinical testing. Allele origin: germline.

Revvity Omics, Revvity
Classification: Uncertain significance. Last evaluated: 2023-12-28. Review status: criteria provided, single submitter. Criteria: ACMG Guidelines, 2015. Collection method: clinical testing. Allele origin: germline.

Labcorp Genetics (formerly Invitae), Labcorp
Classification: Uncertain significance for Autosomal recessive limb-girdle muscular dystrophy type 2P; Muscular dystrophy-dystroglycanopathy (congenital with brain and eye anomalies), type A9. Last evaluated: 2023-10-03. Review status: criteria provided, single submitter. Criteria: Invitae Variant Classification Sherloc (09022015). Collection method: clinical testing. Allele origin: germline.
Comment: This sequence change replaces histidine, which is basic and polar, with asparagine, which is neutral and polar, at codon 212 of the DAG1 protein (p.His212Asn). This variant is present in population databases (rs146574353, gnomAD 0.009%). This variant has not been reported in the literature in individuals affected with DAG1-related conditions. ClinVar contains an entry for this variant (Variation ID: 282130). Advanced modeling of protein sequence and biophysical properties (such as structural, functional, and spatial information, amino acid conservation, physicochemical variation, residue mobility, and thermodynamic stability) performed at Invitae indicates that this missense variant is not expected to disrupt DAG1 protein function. In summary, the available evidence is currently insufficient to determine the role of this variant in disease. Therefore, it has been classified as a Variant of Uncertain Significance.

Eurofins Ntd Llc (ga)
Classification: Uncertain significance. Last evaluated: 2015-07-20. Review status: criteria provided, single submitter. Criteria: EGL Classification Definitions 2015. Collection method: clinical testing. Allele origin: germline. Observed: 2 variant alleles, 2 heterozygotes.

NM_004393.6(DAG1):c.634C>A (p.His212Asn)

Gene: DAG1 (dystroglycan 1; plus strand). Cytogenetic location: 3p21.31.
Variant type: single nucleotide variant.
Coding change: c.634C>A on transcript NM_004393.6 (MANE Select); coding-DNA position 634, C replaced by A.
Protein change: p.His212Asn; replaces histidine 212 with asparagine.
Molecular consequence: missense variant.
Genome position (GRCh38, 1-based): chr3:49,531,145, C>A. VCF-style: chr3-49531145-C-A. GRCh37 (hg19) VCF-style: chr3-49568578-C-A.
Other names: c.634C>A (NM_004393.4); c.634C>A, p.His212Asn (NM_001177641.3, NM_001177642.3, NM_001177643.3 and 9 more transcripts); short protein forms H212N.
Identifiers: ClinVar variation 282130 (VCV000282130.17), dbSNP rs146574353, ClinGen allele CA2398939.